The following is an entry in ClinVar:

NM_001354604.2(MITF):c.895A>G (p.Thr299Ala)

Gene: MITF (melanocyte inducing transcription factor; plus strand). Cytogenetic location: 3p13.
Variant type: single nucleotide variant.
Coding change: c.895A>G on transcript NM_001354604.2 (MANE Select); coding-DNA position 895, A replaced by G.
Protein change: p.Thr299Ala; replaces threonine 299 with alanine.
Molecular consequence: missense variant. On other transcripts: intron variant (9).
Genome position (GRCh38, 1-based): chr3:69,951,826, A>G. VCF-style: chr3-69951826-A-G. GRCh37 (hg19) VCF-style: chr3-70000977-A-G.
Other names: c.574A>G, p.Thr192Ala (NM_000248.4); c.892A>G, p.Thr298Ala (NM_001354605.2); c.830-4A>G (NM_001354607.2); c.725-4A>G (NM_001354608.2, NM_001184967.2); c.881-4A>G (NM_198159.3); c.878-4A>G (NM_001354606.2, NM_006722.3); c.833-4A>G (NM_198177.3); c.560-4A>G (NM_198158.3); and 1 more; short protein forms T192A, T298A, T299A.
Identifiers: ClinVar variation 4055223 (VCV004055223.1).

ClinVar aggregate classification (germline): Uncertain significance (1 of 4 stars; one submission).

Conditions:
Hereditary cancer-predisposing syndrome. Also called: Neoplastic Syndromes, Hereditary; Tumor predisposition; Hereditary neoplastic syndrome; Hereditary Cancer Syndrome. Identifiers: Orphanet 140162, MedGen C0027672, MeSH D009386, MONDO:0015356.

gnomAD v4.1: 1 of 1,613,524 alleles (0.000062%); highest among the groups gnomAD compares: Non-Finnish European, 0.000085%; no homozygotes.

Submission:

Ambry Genetics
Classification: Uncertain significance for Hereditary cancer-predisposing syndrome. Last evaluated: 2025-06-01. Review status: criteria provided, single submitter. Criteria: Ambry Variant Classification Scheme 2023. Collection method: clinical testing. Allele origin: germline.
Comment: The p.T192A variant (also known as c.574A>G), located in coding exon 6 of the MITF gene, results from an A to G substitution at nucleotide position 574. The threonine at codon 192 is replaced by alanine, an amino acid with similar properties. This amino acid position is conserved. In addition, this alteration is predicted to be tolerated by in silico analysis. Based on the available evidence, the clinical significance of this variant remains unclear.